The following is an entry in ClinVar:

ClinVar aggregate classification (germline): other (0 of 4 stars; one submission).

Conditions:
Familial colorectal cancer. Identifiers: MedGen CN280943, MONDO:0023113. Disease mechanism: loss of function.

Submission:

Systems Biology Platform Zhejiang California International NanoSystems Institute
Classification: other for Familial colorectal cancer. Review status: no assertion criteria provided. Collection method: not provided. Allele origin: unknown.
ClinVar note: Converted during submission from cancer to other.

NM_000038.6(APC):c.423-454G>T

Gene: APC (APC regulator of WNT signaling pathway; plus strand). Cytogenetic location: 5q22.2.
Variant type: single nucleotide variant.
Coding change: c.423-454G>T on transcript NM_000038.6 (MANE Select); 454 bases into the intron before coding-DNA position 423, G replaced by T.
Molecular consequence: intron variant.
Genome position (GRCh38, 1-based): chr5:112,775,175, G>T. VCF-style: chr5-112775175-G-T. GRCh37 (hg19) VCF-style: chr5-112110872-G-T.
Other names: c.423-454G>T (NM_001354895.2, NM_001127510.3, NM_001354896.2 and 2 more transcripts); c.453-454G>T (NM_001354897.2, NM_001354902.2, NM_001127511.3); c.348-454G>T (NM_001354898.2, NM_001354904.2); c.-613-454G>T (NM_001354906.2); c.246-454G>T (NM_001354900.2, NM_001354901.2, NM_001354905.2).
Identifiers: ClinVar variation 82909 (VCV000082909.2), dbSNP rs79829853, ClinGen allele CA009313.